The following is an entry in ClinVar:

NM_004408.4(DNM1):c.1905A>G (p.Lys635=)

Gene: DNM1 (dynamin 1; plus strand). Cytogenetic location: 9q34.11.
Variant type: single nucleotide variant.
Coding change: c.1905A>G on transcript NM_004408.4 (MANE Select); coding-DNA position 1905, A replaced by G.
Protein change: p.Lys635=; no amino-acid change (lysine 635 retained).
Molecular consequence: synonymous variant.
Genome position (GRCh38, 1-based): chr9:128,247,935, A>G. VCF-style: chr9-128247935-A-G. GRCh37 (hg19) VCF-style: chr9-131010214-A-G.
Other names: c.1905A>G, p.Lys635= (NM_001005336.3, NM_001288737.2, NM_001288738.2 and 2 more transcripts).
Identifiers: ClinVar variation 2033012 (VCV002033012.4), dbSNP rs2539109424, ClinGen allele CA467283226.

ClinVar aggregate classification (germline): Uncertain significance (1 of 4 stars; one submission).

Conditions:
Developmental and epileptic encephalopathy, 31A. Also called: Epileptic encephalopathy, early infantile, 31; Developmental and epileptic encephalopathy, 31. Identifiers: Orphanet 2382, MedGen C4225357, MONDO:0014598, OMIM 616346.

Submission:

Labcorp Genetics (formerly Invitae), Labcorp
Classification: Uncertain significance for Developmental and epileptic encephalopathy, 31A. Last evaluated: 2022-09-27. Review status: criteria provided, single submitter. Criteria: Invitae Variant Classification Sherloc (09022015). Collection method: clinical testing. Allele origin: germline.
Comment: In summary, the available evidence is currently insufficient to determine the role of this variant in disease. Therefore, it has been classified as a Variant of Uncertain Significance. Algorithms developed to predict the effect of sequence changes on RNA splicing suggest that this variant may create or strengthen a splice site. This variant has not been reported in the literature in individuals affected with DNM1-related conditions. This variant is not present in population databases (gnomAD no frequency). This sequence change affects codon 635 of the DNM1 mRNA. It is a 'silent' change, meaning that it does not change the encoded amino acid sequence of the DNM1 protein. It affects a nucleotide within the consensus splice site.